The following is an entry in ClinVar:

NM_001112741.2(KCNC1):c.1386del (p.Pro463fs)

Gene: KCNC1 (potassium voltage-gated channel subfamily C member 1; plus strand). Cytogenetic location: 11p15.1.
Variant type: Deletion.
Coding change: c.1386del on transcript NM_001112741.2 (MANE Select); coding-DNA position 1386, one base deleted (G; older notation c.1386delG).
Protein change: p.Pro463fs; shifts the reading frame from proline 463.
Molecular consequence: frameshift variant.
Genome position (GRCh38, 1-based): chr11:17,772,480, G deleted; the last of 2 consecutive G bases (chr11:17,772,479-17,772,480); deleting either gives the same sequence. VCF-style (leftmost placement, unchanged base first): chr11-17772478-CG-C. GRCh37 (hg19) VCF-style: chr11-17794025-CG-C.
Other names: c.1386del, p.Pro463fs (NM_004976.4); short protein forms P463fs.
Identifiers: ClinVar variation 1408151 (VCV001408151.6), dbSNP rs2133805531, ClinGen allele CA2573146184.

ClinVar aggregate classification (germline): Uncertain significance (1 of 4 stars; one submission).

Conditions:
Progressive myoclonic epilepsy type 7. Identifiers: Orphanet 435438, MedGen C4015420, MONDO:0014521, OMIM 616187.

Submission:

Labcorp Genetics (formerly Invitae), Labcorp
Classification: Uncertain significance for Progressive myoclonic epilepsy type 7. Last evaluated: 2021-07-30. Review status: criteria provided, single submitter. Criteria: Invitae Variant Classification Sherloc (09022015). Collection method: clinical testing. Allele origin: germline.
Comment: This variant is not present in population databases (ExAC no frequency). In summary, the available evidence is currently insufficient to determine the role of this variant in disease. Therefore, it has been classified as a Variant of Uncertain Significance. This variant has not been reported in the literature in individuals affected with KCNC1-related conditions. This sequence change creates a premature translational stop signal (p.Pro463Hisfs*14) in the KCNC1 gene. It is expected to result in an absent or disrupted protein product. However, the current clinical and genetic evidence is not sufficient to establish whether loss-of-function variants in KCNC1 cause disease.